The following is an entry in ClinVar:

NM_170606.3(KMT2C):c.1299+111A>G

Gene: KMT2C (lysine methyltransferase 2C; minus strand). Cytogenetic location: 7q36.1.
Variant type: single nucleotide variant.
Coding change: c.1299+111A>G on transcript NM_170606.3 (MANE Select); 111 bases into the intron after coding-DNA position 1299, A replaced by G.
Molecular consequence: intron variant.
Genome position (GRCh38, 1-based): chr7:152,262,905, T>C on the plus strand (A>G on the coding strand, the complement: KMT2C is on the minus strand). VCF-style: chr7-152262905-T-C. GRCh37 (hg19) VCF-style: chr7-151959990-T-C.
Identifiers: ClinVar variation 2658240 (VCV002658240.24), dbSNP rs909023929, ClinGen allele CA169228635.

ClinVar aggregate classification (germline): Likely benign (1 of 4 stars; one submission).

Allele frequency attached by ClinVar (database versions not stated): gnomAD exomes below 0.00001; gnomAD 0.00001; TOPMed 0.00001.
gnomAD v4.1: 5 of 724,722 alleles (0.00069%); highest among the groups gnomAD compares: South Asian, 0.002%; no homozygotes.

Submission:

CeGaT Center for Human Genetics Tuebingen
Classification: Likely benign. Last evaluated: 2025-04-01. Review status: criteria provided, single submitter. Criteria: CeGaT Center For Human Genetics Tuebingen Variant Classification Criteria Version 2. Collection method: clinical testing. Allele origin: germline. Affected: yes. Observed: 2 variant alleles.
Comment: KMT2C: BP4, BP7